The following is an entry in ClinVar:

NM_000179.3(MSH6):c.172_177dup (p.Arg58_Pro59dup)

Gene: MSH6 (mutS homolog 6; plus strand). Cytogenetic location: 2p16.3.
Variant type: Duplication.
Coding change: c.172_177dup on transcript NM_000179.3 (MANE Select); coding-DNA positions 172 to 177, 6 bases duplicated (AGGCCC; older notation c.172_177dupAGGCCC).
Protein change: p.Arg58_Pro59dup.
Molecular consequence: inframe insertion. On other transcripts: 5 prime UTR variant (1).
Genome position (GRCh38, 1-based): chr2:47,783,405-47,783,410, AGGCCC duplicated; duplicating any 6 consecutive bases within chr2:47,783,400-47,783,410 gives the same sequence; the c. name uses the placement nearest the transcript's 3' end. VCF-style (leftmost placement, unchanged base first): chr2-47783399-G-GGGCCCA. GRCh37 (hg19) VCF-style: chr2-48010538-G-GGGCCCA.
Other names: p.Arg58_Pro59dup; c.172_177dup, p.Arg58_Pro59dup (NM_001281492.2); c.-565_-560dup (NM_001281493.2); c.172_177dupAGGCCC (NM_000179.2).
Identifiers: ClinVar variation 234685 (VCV000234685.21), dbSNP rs876661161, ClinGen allele CA10577246.

ClinVar aggregate classification (germline): Uncertain significance. Review status: criteria provided, multiple submitters, no conflicts (2 of 4 stars). 7 submissions from 7 submitters: Uncertain significance (7). Last evaluated 2025-07-18.

Conditions:
Hereditary cancer-predisposing syndrome. Also called: Hereditary neoplastic syndrome; Hereditary Cancer Syndrome; Neoplastic Syndromes, Hereditary; Tumor predisposition. Identifiers: Orphanet 140162, MedGen C0027672, MeSH D009386, MONDO:0015356.
Hereditary nonpolyposis colorectal neoplasms. Identifiers: MedGen C0009405, MeSH D003123.
Lynch syndrome. Identifiers: Orphanet 144, MedGen C4552100, MONDO:0005835. Disease mechanism: loss of function.
Endometrial carcinoma. Also called: Endometrial carcinoma, somatic. Identifiers: MedGen C0476089, MONDO:0002447, OMIM 608089, HP:0012114.

Submissions (7):

Ambry Genetics
Classification: Uncertain significance for Hereditary cancer-predisposing syndrome. Last evaluated: 2025-07-18. Review status: criteria provided, single submitter. Criteria: Ambry Variant Classification Scheme 2023. Collection method: clinical testing. Allele origin: germline.
Comment: The c.172_177dupAGGCCC variant (also known as p.R58_P59dup), located in coding exon 1 of the MSH6 gene, results from an in-frame duplication of AGGCCC at nucleotide positions 172 to 177. This results in the duplication of 2 extra residues (RP) between codons 58 and 59. The duplicated nucleotide region is not well conserved in available vertebrate species. In a study of 63 cases of non-medullary thyroid cancer, this duplication (designated G56GPR) was identified in one proband with sporadic papillary thyroid cancer who also carried the MSH6 variant p.A53D (Yu Y et al. Sci Rep, 2015 Nov;5:16129). This variant has been identified in a cohort of 8085 Chinese breast cancer patients (Hu L et al. NPJ Breast Cancer, 2022 Apr;8:52). This amino acid region is not well conserved in available vertebrate species. In addition, this variant is predicted to be deleterious by in silico analysis (Choi Y et al. PLoS ONE. 2012; 7(10):e46688). Based on the available evidence, the clinical significance of this variant remains unclear.

Labcorp Genetics (formerly Invitae), Labcorp
Classification: Uncertain significance for Hereditary nonpolyposis colorectal neoplasms. Last evaluated: 2025-07-02. Review status: criteria provided, single submitter. Criteria: Invitae Variant Classification Sherloc (09022015). Collection method: clinical testing. Allele origin: germline.
Comment: This variant, c.172_177dup, results in the insertion of 2 amino acid(s) of the MSH6 protein (p.Arg58_Pro59dup), but otherwise preserves the integrity of the reading frame. This variant is not present in population databases (gnomAD no frequency). This variant has been observed in individual(s) with pancreatic cancer (PMID: 35171259). This variant is also known as c.177_178insAGGCCC. ClinVar contains an entry for this variant (Variation ID: 234685). Experimental studies and prediction algorithms are not available or were not evaluated, and the functional significance of this variant is currently unknown. In summary, the available evidence is currently insufficient to determine the role of this variant in disease. Therefore, it has been classified as a Variant of Uncertain Significance.

Mayo Clinic Laboratories, Mayo Clinic
Classification: Uncertain significance. Last evaluated: 2025-03-11. Review status: criteria provided, single submitter. Criteria: ACMG Guidelines, 2015. Collection method: clinical testing. Allele origin: germline. Observed: 1 variant allele.
Comment: PM2_supporting

GeneDx
Classification: Uncertain significance. Last evaluated: 2025-03-06. Review status: criteria provided, single submitter. Criteria: GeneDx Variant Classification Process June 2021. Collection method: clinical testing. Allele origin: germline. Affected: yes.
Comment: Not observed at significant frequency in large population cohorts (gnomAD); In-frame duplication of 2 amino acid(s) in a non-repeat region; Also known as c.177_178insAGGCCC; This variant is associated with the following publications: (PMID: 26530882, 35171259, 35449176)

Baylor Genetics
Classification: Uncertain significance for Endometrial carcinoma. Last evaluated: 2024-01-05. Review status: criteria provided, single submitter. Criteria: ACMG Guidelines, 2015. Collection method: clinical testing. Allele origin: unknown.

All of Us Research Program, National Institutes of Health
Classification: Uncertain significance for Lynch syndrome. Last evaluated: 2023-05-04. Review status: criteria provided, single submitter. Criteria: ACMG Guidelines, 2015. Collection method: clinical testing. Allele origin: germline. Inheritance: Autosomal dominant inheritance. Observed: 1 variant allele, 1 heterozygote.
Comment: This variant causes an in-frame duplication of two amino acids in the MSH6 protein. To our knowledge, functional studies have not been reported for this variant. This variant has not been reported in individuals affected with MSH6-related disorders in the literature. This variant has not been identified in the general population by the Genome Aggregation Database (gnomAD). The available evidence is insufficient to determine the role of this variant in disease conclusively. Therefore, this variant is classified as a Variant of Uncertain Significance.

This study involves interpretation of variants in research participants for the purpose of population health screening. Participant phenotype was not available at the time of variant classification. Additional details can be found in publication PMID: 35346344, PMCID: PMC8962531

Color Diagnostics, LLC DBA Color Health
Classification: Uncertain significance for Hereditary cancer-predisposing syndrome. Last evaluated: 2023-03-30. Review status: criteria provided, single submitter. Criteria: ACMG Guidelines, 2015. Collection method: clinical testing. Allele origin: germline.
Comment: This variant causes an in-frame duplication of two amino acids in the MSH6 protein. To our knowledge, functional studies have not been reported for this variant. This variant has not been reported in individuals affected with MSH6-related disorders in the literature. This variant has not been identified in the general population by the Genome Aggregation Database (gnomAD). The available evidence is insufficient to determine the role of this variant in disease conclusively. Therefore, this variant is classified as a Variant of Uncertain Significance.

Literature cited by the submitters: PubMed 26530882 (cited by Ambry Genetics and Mayo Clinic Laboratories, Mayo Clinic); PubMed 35449176 (cited by Ambry Genetics and Mayo Clinic Laboratories, Mayo Clinic); PubMed 35171259 (cited by Labcorp Genetics (formerly Invitae), Labcorp and Mayo Clinic Laboratories, Mayo Clinic).